The following is an entry in ClinVar:

NM_014714.4(IFT140):c.886G>T (p.Gly296Trp)

Genes: IFT140 (intraflagellar transport 140; minus strand), LOC105371046 (uncharacterized LOC105371046; plus strand). Cytogenetic location: 16p13.3.
Variant type: single nucleotide variant.
Coding change: c.886G>T on transcript NM_014714.4 (MANE Select); coding-DNA position 886, G replaced by T.
Protein change: p.Gly296Trp; replaces glycine 296 with tryptophan.
Molecular consequence: missense variant.
Genome position (GRCh38, 1-based): chr16:1,587,949, C>A on the plus strand (G>T on the coding strand, the complement: IFT140 is on the minus strand). VCF-style: chr16-1587949-C-A. GRCh37 (hg19) VCF-style: chr16-1637950-C-A.
Other names: short protein forms G296W.
Identifiers: ClinVar variation 1048757 (VCV001048757.3), dbSNP rs574450870, ClinGen allele CA394217480.

ClinVar aggregate classification (germline): Likely pathogenic (1 of 4 stars; one submission).

Conditions:
Saldino-Mainzer syndrome (SRTD9). Also called: CONORENAL SYNDROME; Renal dysplasia, retinal pigmentary dystrophy, cerebellar ataxia and skeletal dysplasia; short-rib thoracic dysplasia 9 with or without polydactyly; SHORT-RIB THORACIC DYSPLASIA 9 WITHOUT POLYDACTYLY. Identifiers: Orphanet 140969, MedGen C1849437, MONDO:0009964, OMIM 266920.

Submission:

Department of Paediatric Medicine, Post Graduation Institute of Medical Education and Research
Classification: Likely pathogenic for Saldino-Mainzer syndrome. Last evaluated: 2021-03-31. Review status: criteria provided, single submitter. Criteria: ACMG Guidelines, 2015. Collection method: clinical testing. Allele origin: inherited. Inheritance: Autosomal recessive inheritance. Affected: yes. Observed: 1 variant allele, 1 homozygote.
Comment: A homozygous missense variation in exon 8 of the IFT140 gene (chr16:g.1587949C>A; Depth: 146x) that results in the amino acid substitution of Tryptophan for Glycine at codon 296 (p.Gly296Trp; ENST00000426508.7) was detected. The p.Gly296Trp variant has not been reported in the 1000 genomes, gnomAD and our internal databases. The in silico predictions# of the variant are probably damaging by PolyPhen-2 (HumDiv) and damaging by SIFT, LRT and MutationTaster2. The reference codon is conserved across species